The following is an entry in ClinVar:

ClinVar aggregate classification (germline): Pathogenic/Likely pathogenic. Review status: criteria provided, multiple submitters, no conflicts (2 of 4 stars). 4 submissions from 4 submitters: Pathogenic (2); Likely pathogenic (2). Last evaluated 2025-02-24.

Conditions:
Mucopolysaccharidosis, MPS-I-S. Also called: MPS V; MUCOPOLYSACCHARIDOSIS TYPE V; Scheie Syndrome; MUCOPOLYSACCHARIDOSIS TYPE IS. Identifiers: Orphanet 93474, MedGen C0026708, MONDO:0011760, OMIM 607016.
Hurler syndrome. Also called: Gargoylism, Hurler Syndrome; MUCOPOLYSACCHARIDOSIS TYPE IH; Severe MPS I (Hurler Syndrome). Identifiers: Orphanet 93473, MedGen C0086795, MONDO:0011758, OMIM 607014.
Mucopolysaccharidosis, MPS-I-H/S. Also called: Mucopolysaccharidosis type IH/S. Identifiers: Orphanet 93476, MedGen C0086431, MONDO:0011759, OMIM 607015.
Mucopolysaccharidosis type 1. Also called: IDUA deficiency; MPS I; Mucopolysaccharidosis Type I. Identifiers: Orphanet 579, MedGen C0023786, MONDO:0001586.

Submissions (4):

Myriad Genetics, Inc.
Classification: Likely pathogenic for Mucopolysaccharidosis type 1. Last evaluated: 2025-02-24. Review status: criteria provided, single submitter. Criteria: Myriad Autosomal Dominant, Autosomal Recessive and X-Linked Classification Criteria (2023). Collection method: clinical testing. Allele origin: unknown.
Comment: NM_000203.3(IDUA):c.1190-1delG is a variant in a canonical splice site classified as likely pathogenic in the context of mucopolysaccharidosis type I. c.1190-1delG has been observed in cases with relevant disease (PMID: 21394825, 25558755). Relevant functional assessments of this variant are not available in the literature. c.1190-1delG has not been observed in referenced population frequency databases. In summary, NM_000203.3(IDUA):c.1190-1delG is a variant in a canonical splice site that has been observed more frequently in cases with the relevant disease than in healthy populations. Please note: this variant was assessed in the context of healthy population screening.

Natera, Inc.
Classification: Pathogenic for Mucopolysaccharidosis type I. Last evaluated: 2025-02-17. Review status: criteria provided, single submitter. Criteria: Natera Variant Classification Schema (03/2026). Collection method: clinical testing. Allele origin: germline.
Comment: The c.1190-1delG variant in IDUA is a canonical splice acceptor site variant predicted to affect pre-mRNA splicing, which may result in an abnormal transcript and altered protein product. This variant is expected to result in nonsense mediated decay, truncation, or a dysfunctional protein product. This variant is rare in the general population with a frequency below the threshold expected for the associated phenotype(s). This variant has been observed in one or more individuals affected with the associated recessive disease, as either homozygous or compound heterozygous with a second variant (PMID: 21394825, 31194252). Another variant at this same site results in an alteration predicted to cause a similar molecular effect has been observed in individual(s) with the associated phenotype. Given the available evidence, this variant is classified as Pathogenic.

Fulgent Genetics
Classification: Likely pathogenic for Hurler syndrome; Mucopolysaccharidosis, MPS-I-H/S; Mucopolysaccharidosis, MPS-I-S. Last evaluated: 2024-01-15. Review status: criteria provided, single submitter. Criteria: ACMG Guidelines, 2015. Collection method: clinical testing. Allele origin: germline.

Labcorp Genetics (formerly Invitae), Labcorp
Classification: Pathogenic for Mucopolysaccharidosis type 1. Last evaluated: 2022-12-25. Review status: criteria provided, single submitter. Criteria: Invitae Variant Classification Sherloc (09022015). Collection method: clinical testing. Allele origin: germline.
Comment: This sequence change affects an acceptor splice site in intron 8 of the IDUA gene. It is expected to disrupt RNA splicing. Variants that disrupt the donor or acceptor splice site typically lead to a loss of protein function (PMID: 16199547), and loss-of-function variants in IDUA are known to be pathogenic (PMID: 11735025, 21480867). This variant is not present in population databases (gnomAD no frequency). Disruption of this splice site has been observed in individuals with IDUA-related conditions (PMID: 21394825, 25558755). Algorithms developed to predict the effect of sequence changes on RNA splicing suggest that this variant may disrupt the consensus splice site. For these reasons, this variant has been classified as Pathogenic.

Literature cited by the submitters: PubMed 21394825 (cited by 3 submitters); PubMed 25558755 (cited by Myriad Genetics, Inc. and Labcorp Genetics (formerly Invitae), Labcorp); PubMed 31194252 (cited by Natera, Inc.); PubMed 16199547 (cited by Labcorp Genetics (formerly Invitae), Labcorp); PubMed 11735025 (cited by Labcorp Genetics (formerly Invitae), Labcorp); PubMed 21480867 (cited by Labcorp Genetics (formerly Invitae), Labcorp).

NM_000203.5(IDUA):c.1190-1del

Gene: IDUA (alpha-L-iduronidase; plus strand). Cytogenetic location: 4p16.3.
Variant type: Deletion.
Coding change: c.1190-1del on transcript NM_000203.5 (MANE Select); the canonical splice acceptor site of the intron before coding-DNA position 1190, one base deleted (G; older notation c.1190-1delG).
Molecular consequence: splice acceptor variant.
Genome position (GRCh38, 1-based): chr4:1,002,731, G deleted. VCF-style (leftmost placement, unchanged base first): chr4-1002730-AG-A. GRCh37 (hg19) VCF-style: chr4-996518-AG-A.
Other names: c.1190-1delG (NM_000203.4); c.794-1del (NM_001363576.1).
Identifiers: ClinVar variation 2734639 (VCV002734639.6), dbSNP rs2534092221, ClinGen allele CA2586965967.